The following is an entry in ClinVar:

NM_000138.5(FBN1):c.7752C>G (p.Ile2584Met)

Gene: FBN1 (fibrillin 1; minus strand). Cytogenetic location: 15q21.1.
Variant type: single nucleotide variant.
Coding change: c.7752C>G on transcript NM_000138.5 (MANE Select); coding-DNA position 7752, C replaced by G.
Protein change: p.Ile2584Met; replaces isoleucine 2584 with methionine.
Molecular consequence: missense variant.
Genome position (GRCh38, 1-based): chr15:48,420,754, G>C on the plus strand (C>G on the coding strand, the complement: FBN1 is on the minus strand). VCF-style: chr15-48420754-G-C. GRCh37 (hg19) VCF-style: chr15-48712951-G-C.
Other names: short protein forms I2584M.
Identifiers: ClinVar variation 1043471 (VCV001043471.5), dbSNP rs2042934389, ClinGen allele CA392324702.

ClinVar aggregate classification (germline): Uncertain significance (1 of 4 stars; one submission).

Conditions:
Marfan syndrome (MFS). Also called: FBN1-Related Marfan Syndrome; MARFAN SYNDROME, TYPE I; Marfan syndrome type 1; Marfan's syndrome; Marfan syndrome, classic. Identifiers: Orphanet 284963, Orphanet 558, MedGen C0024796, MONDO:0007947, OMIM 154700.
Familial thoracic aortic aneurysm and aortic dissection (TAAD). Also called: Thoracic aortic aneurysms and dissections. Identifiers: Orphanet 91387, MedGen C4707243, MONDO:0019625.

Submission:

Labcorp Genetics (formerly Invitae), Labcorp
Classification: Uncertain significance for Marfan syndrome; Familial thoracic aortic aneurysm and aortic dissection. Last evaluated: 2022-06-27. Review status: criteria provided, single submitter. Criteria: Invitae Variant Classification Sherloc (09022015). Collection method: clinical testing. Allele origin: germline.
Comment: This sequence change replaces isoleucine, which is neutral and non-polar, with methionine, which is neutral and non-polar, at codon 2584 of the FBN1 protein (p.Ile2584Met). In summary, the available evidence is currently insufficient to determine the role of this variant in disease. Therefore, it has been classified as a Variant of Uncertain Significance. Advanced modeling of protein sequence and biophysical properties (such as structural, functional, and spatial information, amino acid conservation, physicochemical variation, residue mobility, and thermodynamic stability) performed at Invitae indicates that this missense variant is not expected to disrupt FBN1 protein function. ClinVar contains an entry for this variant (Variation ID: 1043471). This variant has not been reported in the literature in individuals affected with FBN1-related conditions. This variant is not present in population databases (gnomAD no frequency).